The following is an entry in ClinVar:

ClinVar aggregate classification (germline): Uncertain significance (1 of 4 stars; one submission).

gnomAD v4.1: 1 of 1,613,118 alleles (0.000062%); highest among the groups gnomAD compares: East Asian, 0.0022%; no homozygotes.

Submission:

CeGaT Center for Human Genetics Tuebingen
Classification: Uncertain significance. Last evaluated: 2026-08-01. Review status: criteria provided, single submitter. Criteria: CeGaT Center For Human Genetics Tuebingen Variant Classification Criteria Version 2. Collection method: clinical testing. Allele origin: germline. Affected: yes. Observed: 1 variant allele.
Comment: KDM5B: PM2, PP3

NM_006618.5(KDM5B):c.110C>A (p.Pro37His)

Gene: KDM5B (lysine demethylase 5B; minus strand). Cytogenetic location: 1q32.1.
Variant type: single nucleotide variant.
Coding change: c.110C>A on transcript NM_006618.5 (MANE Select); coding-DNA position 110, C replaced by A.
Protein change: p.Pro37His; replaces proline 37 with histidine.
Molecular consequence: missense variant.
Genome position (GRCh38, 1-based): chr1:202,808,196, G>T on the plus strand (C>A on the coding strand, the complement: KDM5B is on the minus strand). VCF-style: chr1-202808196-G-T. GRCh37 (hg19) VCF-style: chr1-202777324-G-T.
Other names: c.110C>A, p.Pro37His (NM_001314042.2, NM_001347591.2, NM_001399817.1); short protein forms P37H.
Identifiers: ClinVar variation 5040518 (VCV005040518.1).